The following is an entry in ClinVar:

ClinVar aggregate classification (germline): Pathogenic/Likely pathogenic. Review status: criteria provided, multiple submitters, no conflicts (2 of 4 stars). 2 submissions from 2 submitters: Pathogenic (1); Likely pathogenic (1). Last evaluated 2026-08-20.

Conditions:
Mucopolysaccharidosis, MPS-IV-A (MPS4A). Also called: MORQUIO SYNDROME A; GALACTOSAMINE-6-SULFATASE DEFICIENCY; GALNS DEFICIENCY; MORQUIO A DISEASE; MPS IVA; Mucopolysaccharidosis type IV A. Identifiers: Orphanet 309297, Orphanet 582, MedGen C0086651, MONDO:0009659, OMIM 253000.

Submissions (2):

Department of Genetics and Endocrinology, Guangzhou Women and Children’s Medical Center
Classification: Pathogenic for Mucopolysaccharidosis, MPS-IV-A. Last evaluated: 2026-08-20. Review status: criteria provided, single submitter. Criteria: ACMG Guidelines, 2015. Collection method: clinical testing. Allele origin: germline. Affected: yes.
Comment: PVS1: frameshift deletion (p.V239Sfs*80) in domain 1, predicted to result in NMD or protein truncation; PM2: absent from population databases (gnomAD); PP4: patient phenotype is highly specific for MPS IVA.

Laboratory of Medical Genetics, University of Torino
Classification: Likely pathogenic for Mucopolysaccharidosis, MPS-IV-A. Last evaluated: 2026-06-29. Review status: criteria provided, single submitter. Criteria: ACMG Guidelines, 2015. Collection method: clinical testing. Allele origin: paternal. Affected: yes.

NM_000512.5(GALNS):c.714del (p.Val239fs)

Gene: GALNS (galactosamine (N-acetyl)-6-sulfatase; minus strand). Cytogenetic location: 16q24.3.
Variant type: Deletion.
Coding change: c.714del on transcript NM_000512.5 (MANE Select); coding-DNA position 714, one base deleted (C; older notation c.714delC).
Protein change: p.Val239fs; shifts the reading frame from valine 239.
Molecular consequence: frameshift variant.
Genome position (GRCh38, 1-based): chr16:88,835,769, G deleted on the plus strand (C on the coding strand, the reverse complement: GALNS is on the minus strand); the first of 3 consecutive G bases (chr16:88,835,769-88,835,771); deleting any one gives the same sequence. VCF-style (leftmost placement, unchanged base first): chr16-88835768-CG-C. GRCh37 (hg19) VCF-style: chr16-88902176-CG-C.
Other names: c.159del, p.Val54fs (NM_001323543.2); c.732del, p.Val245fs (NM_001323544.2); c.714delC (NM_000512.5); short protein forms V239fs, V245fs, V54fs.
Identifiers: ClinVar variation 4884367 (VCV004884367.2).